The following is an entry in ClinVar:

NM_001080449.3(DNA2):c.2413A>C (p.Met805Leu)

Gene: DNA2 (DNA replication helicase/nuclease 2; minus strand). Cytogenetic location: 10q21.3.
Variant type: single nucleotide variant.
Coding change: c.2413A>C on transcript NM_001080449.3 (MANE Select); coding-DNA position 2413, A replaced by C.
Protein change: p.Met805Leu; replaces methionine 805 with leucine.
Molecular consequence: missense variant. On other transcripts: non-coding transcript variant (1).
Genome position (GRCh38, 1-based): chr10:68,422,594, T>G on the plus strand (A>C on the coding strand, the complement: DNA2 is on the minus strand). VCF-style: chr10-68422594-T-G. GRCh37 (hg19) VCF-style: chr10-70182351-T-G.
Other names: short protein forms M805L.
Identifiers: ClinVar variation 4811571 (VCV004811571.1).

ClinVar aggregate classification (germline): Uncertain significance (1 of 4 stars; one submission).

Submission:

Labcorp Genetics (formerly Invitae), Labcorp
Classification: Uncertain significance. Last evaluated: 2025-04-10. Review status: criteria provided, single submitter. Criteria: Invitae Variant Classification Sherloc (09022015). Collection method: clinical testing. Allele origin: germline.
Comment: This sequence change replaces methionine, which is neutral and non-polar, with leucine, which is neutral and non-polar, at codon 805 of the DNA2 protein (p.Met805Leu). This variant is not present in population databases (gnomAD no frequency). This variant has not been reported in the literature in individuals affected with DNA2-related conditions. Invitae Evidence Modeling of protein sequence and biophysical properties (such as structural, functional, and spatial information, amino acid conservation, physicochemical variation, residue mobility, and thermodynamic stability) indicates that this missense variant is not expected to disrupt DNA2 protein function with a negative predictive value of 80%. In summary, the available evidence is currently insufficient to determine the role of this variant in disease. Therefore, it has been classified as a Variant of Uncertain Significance.